The following is an entry in ClinVar:

ClinVar aggregate classification (germline): Uncertain significance (1 of 4 stars; one submission).

Submission:

Labcorp Genetics (formerly Invitae), Labcorp
Classification: Uncertain significance. Last evaluated: 2026-01-19. Review status: criteria provided, single submitter. Criteria: Invitae Variant Classification Sherloc (09022015). Collection method: clinical testing. Allele origin: germline.
Comment: This sequence change replaces glutamine, which is neutral and polar, with lysine, which is basic and polar, at codon 73 of the LRRC10 protein (p.Gln73Lys). This variant is not present in population databases (gnomAD no frequency). This variant has not been reported in the literature in individuals affected with LRRC10-related conditions. An algorithm developed to predict the effect of missense changes on protein structure and function (PolyPhen-2) suggests that this variant is likely to be tolerated. In summary, the available evidence is currently insufficient to determine the role of this variant in disease. Therefore, it has been classified as a Variant of Uncertain Significance.

NM_201550.4(LRRC10):c.217C>A (p.Gln73Lys)

Gene: LRRC10 (leucine rich repeat containing 10; minus strand). Cytogenetic location: 12q15.
Variant type: single nucleotide variant.
Coding change: c.217C>A on transcript NM_201550.4 (MANE Select); coding-DNA position 217, C replaced by A.
Protein change: p.Gln73Lys; replaces glutamine 73 with lysine.
Molecular consequence: missense variant.
Genome position (GRCh38, 1-based): chr12:69,610,622, G>T on the plus strand (C>A on the coding strand, the complement: LRRC10 is on the minus strand). VCF-style: chr12-69610622-G-T. GRCh37 (hg19) VCF-style: chr12-70004402-G-T.
Other names: short protein forms Q73K.
Identifiers: ClinVar variation 4787313 (VCV004787313.1).
Genomic context (GRCh38, chr12:69,610,622, plus strand): 5'-CCTGGGGCAGAGCCTTGAAGTTGTTGAAATCCAAGGCCAGAATCTGCAGGTTCTGTAGCT[G>T]CCCCAGCTCCGGAGGCAGGCTATTGAGGTGGTTGTCGCTCAGGTAGAGCTTGACCAGCTC-3'
Protein context (NP_963844.2, residues 63-83): HLNSLPPELG[Gln73Lys]LQNLQILALD